The following is an entry in ClinVar:

NM_001715.3(BLK):c.*176C>T

Gene: BLK (BLK proto-oncogene, Src family tyrosine kinase). Cytogenetic location: 8p23.1.
Variant type: single nucleotide variant.
Coding change: c.*176C>T on transcript NM_001715.3 (MANE Select); 176 bases downstream of the stop codon, C replaced by T.
Molecular consequence: 3 prime UTR variant.
Genome position (GRCh38, 1-based): chr8:11,564,284, C>T. VCF-style: chr8-11564284-C-T. GRCh37 (hg19) VCF-style: chr8-11421793-C-T.
Other names: c.*176C>T (NM_001330465.2).
Identifiers: ClinVar variation 361500 (VCV000361500.9), dbSNP rs1042689, ClinGen allele CA4630551.

ClinVar aggregate classification (germline): Benign/Likely benign. Review status: criteria provided, multiple submitters, no conflicts (2 of 4 stars). 4 submissions from 4 submitters: Benign (3); Likely benign (1). Last evaluated 2018-08-09.

Conditions:
Maturity-onset diabetes of the young type 11. Identifiers: Orphanet 552, MedGen C3150618, MONDO:0013242, OMIM 613375.
Systemic lupus erythematosus (SLE). Identifiers: Orphanet 536, MedGen C0024141, MONDO:0007915, OMIM 152700, HP:0002725.

Allele frequency attached by ClinVar (database versions not stated): gnomAD exomes 0.41621 and 0.48253; gnomAD 0.42891 and 0.43643; TOPMed 0.45155; ExAC 0.49323; 1000 Genomes Project 30x 0.55075; 1000 Genomes Project 0.55711.
gnomAD v4.1: 327,649 of 779,138 alleles (42%); highest among the groups gnomAD compares: East Asian, 92%; 76,725 homozygotes.

Submissions (4):

GeneDx
Classification: Benign. Last evaluated: 2018-08-09. Review status: criteria provided, single submitter. Criteria: GeneDx Variant Classification Process June 2021. Collection method: clinical testing. Allele origin: germline. Affected: yes.

Illumina Laboratory Services, Illumina
Classification: Benign for Maturity-onset diabetes of the young type 11. Last evaluated: 2018-01-13. Review status: criteria provided, single submitter. Criteria: ICSL Variant Classification Criteria 13 December 2019. Collection method: clinical testing. Allele origin: germline.
Comment: This variant was observed in the ICSL laboratory as part of a predisposition screen in an ostensibly healthy population. It had not been previously curated by ICSL or reported in the Human Gene Mutation Database (HGMD: prior to June 1st, 2018), and was therefore a candidate for classification through an automated scoring system. Utilizing variant allele frequency, disease prevalence and penetrance estimates, and inheritance mode, an automated score was calculated to assess if this variant is too frequent to cause the disease. Based on the score and internal cut-off values, a variant classified as benign is not then subjected to further curation. The score for this variant resulted in a classification of benign for this disease.

Breakthrough Genomics
Classification: Benign. Review status: criteria provided, single submitter. Criteria: ACMG Guidelines, 2015. Collection method: not provided. Allele origin: germline. Inheritance: Autosomal dominant inheritance. Affected: yes.

Clinical Genomics, Uppaluri K&H Personalized Medicine Clinic
Classification: Likely benign for Systemic lupus erythematosus. Review status: criteria provided, single submitter. Criteria: K & H Uppaluri Personalized Medicine Clinic Variant Classification & Assertion Criteria_Updated V.1. Collection method: research. Allele origin: unknown.
Comment: BLK gene is associated with Systemic lupus erythematosus, sjogren's syndrome and other systemic inflammatory conditions. However no sufficient evidence is found to ascertain the role of this particular variant rs1042689, yet.

Literature cited by the submitters: PubMed 32313195 (cited by Clinical Genomics, Uppaluri K&H Personalized Medicine Clinic); PubMed 19667185 (cited by Clinical Genomics, Uppaluri K&H Personalized Medicine Clinic); PubMed 18204098 (cited by Clinical Genomics, Uppaluri K&H Personalized Medicine Clinic); PubMed 24023612 (cited by Clinical Genomics, Uppaluri K&H Personalized Medicine Clinic); PubMed 31670388 (cited by Clinical Genomics, Uppaluri K&H Personalized Medicine Clinic).